The following is an entry in ClinVar:

NM_002709.3(PPP1CB):c.548A>C (p.Glu183Ala)

Gene: PPP1CB (protein phosphatase 1 catalytic subunit beta; plus strand). Cytogenetic location: 2p23.2.
Variant type: single nucleotide variant.
Coding change: c.548A>C on transcript NM_002709.3 (MANE Select); coding-DNA position 548, A replaced by C.
Protein change: p.Glu183Ala; replaces glutamic acid 183 with alanine.
Molecular consequence: missense variant.
Genome position (GRCh38, 1-based): chr2:28,783,934, A>C. VCF-style: chr2-28783934-A-C. GRCh37 (hg19) VCF-style: chr2-29006800-A-C.
Other names: NM_002709.3(PPP1CB):c.548A>C; p.Glu183Ala; c.548A>C, p.Glu183Ala (NM_206876.2); short protein forms E183A.
Identifiers: ClinVar variation 254652 (VCV000254652.14), dbSNP rs886037954, ClinGen allele CA10586683.
Genomic context (GRCh38, chr2:28,783,934, plus strand): 5'-TGTTAGTACTATGTCTCATCTTTTTATTTATAGGATTGTCACCAGACCTGCAATCTATGG[A>C]GCAGATTCGGAGAATTATGAGACCTACTGATGTCCCTGATACAGGTAAGTGTAGAGAGAA-3'
Protein context (NP_002700.1, residues 173-193): GGLSPDLQSM[Glu183Ala]QIRRIMRPTD

ClinVar aggregate classification (germline): Pathogenic. Review status: reviewed by expert panel (3 of 4 stars). 7 submissions from 7 submitters: Pathogenic (1). 6 of the submissions do not count toward it. Last evaluated 2024-12-03.

Conditions:
Noonan syndrome-like disorder with loose anagen hair (NS/LAH). Also called: Noonan-like syndrome with loose anagen hair. Identifiers: Orphanet 2701, MedGen C1843181, MONDO:0011899.
Noonan syndrome-like disorder with loose anagen hair 2 (NSLH2). Identifiers: MedGen C4479577, MONDO:0054588, OMIM 617506.
Cardiovascular phenotype. Identifiers: MedGen CN230736.
RASopathy. Also called: Noonan spectrum disorder; rasopathies. Identifiers: Orphanet 536391, MedGen C5555857, MONDO:0021060.

Submissions (7):

ClinGen RASopathy Variant Curation Expert Panel
Classification: Pathogenic for RASopathy. Last evaluated: 2024-12-03. Review status: reviewed by expert panel. Criteria: ClinGen RASopathy ACMG Specifications PPP1CB V1.3.0. Collection method: curation. Allele origin: germline. Inheritance: Autosomal dominant inheritance.
Comment: The c.548A>C (p.Glu183Ala) variant in PPP1CB is a missense variant predicted to cause substitution of glutamate by alanine at amino acid 183. This variant is absent from gnomAD v2 (PM2_Supporting). PPP1CB, in which the variant was identified, is defined by the ClinGen RASopathy VCEP as a gene that has a low rate of benign missense variation and where pathogenic missense variants are a common mechanism of disease. The missense Z-score is 4.33 which is above the threshold set by the Rasopathy VCEP (PP3). The computational predictor REVEL gives a score of 0.283, which is below the threshold of 0.3, does not predict a damaging effect on PPP1CB function (BP4). This variant was observed in a proband with a phenotype consistent with RASopathy (PS4_Supporting; PMID:30236064). This variant has also been identified as a de novo occurrence with confirmed parental relationships in 2 individuals with features of RASopathy (PS2_VeryStrong; PMIDs: 30236064, 27681385). Based on ACMG/AMP criteria, this variant has enough supporting evidence to be classified as uncertain significance; however, the RASopathy VCEP has upgraded this classification to pathogenic based on ClinGen policy. In summary, this variant currently meets the criteria to be classified as pathogenic for autosomal dominant RASopathy based on the ACMG/AMP criteria applied, as specified by the ClinGen RASopathy VCEP: PS2_VeryStrong, PS4_Supporting, PM2_Supporting, PP2, BP4. (RASopathy VCEP specifications version 1.3; 12/3/2024)

Women's Health and Genetics/Laboratory Corporation of America, LabCorp
Classification: Pathogenic for Noonan syndrome-like disorder with loose anagen hair. Last evaluated: 2025-06-17. Review status: criteria provided, single submitter. Criteria: LabCorp Variant Classification Summary - May 2015. Collection method: clinical testing. Allele origin: germline. Not counted in ClinVar's aggregate classification.
Comment: Variant summary: PPP1CB c.548A>C (p.Glu183Ala) results in a non-conservative amino acid change in the encoded protein sequence. Algorithms developed to predict the effect of missense changes on protein structure and function are either unavailable or do not agree on the potential impact of this missense change. The variant was absent in 251350 control chromosomes. c.548A>C has been as de novo in individual(s) affected with syndromic Intellectual disability (Lin_2018, and Hong_2020). These data indicate that the variant may be associated with disease. The following publications have been ascertained in the context of this evaluation (PMID: 30236064, 30236064). ClinVar contains an entry for this variant (Variation ID: 254652). Based on the evidence outlined above, the variant was classified as pathogenic.

Labcorp Genetics (formerly Invitae), Labcorp
Classification: Pathogenic. Last evaluated: 2023-12-11. Review status: criteria provided, single submitter. Criteria: Invitae Variant Classification Sherloc (09022015). Collection method: clinical testing. Allele origin: germline. Not counted in ClinVar's aggregate classification.
Comment: This sequence change replaces glutamic acid, which is acidic and polar, with alanine, which is neutral and non-polar, at codon 183 of the PPP1CB protein (p.Glu183Ala). This variant is not present in population databases (gnomAD no frequency). This missense change has been observed in individual(s) with clinical features of Noonan syndrome (PMID: 27681385, 30236064). In at least one individual the variant was observed to be de novo. ClinVar contains an entry for this variant (Variation ID: 254652). Advanced modeling of protein sequence and biophysical properties (such as structural, functional, and spatial information, amino acid conservation, physicochemical variation, residue mobility, and thermodynamic stability) performed at Invitae indicates that this missense variant is not expected to disrupt PPP1CB protein function with a negative predictive value of 80%. For these reasons, this variant has been classified as Pathogenic.

Clinical Genomics Laboratory, Stanford Medicine
Classification: Pathogenic for Noonan syndrome-like disorder with loose anagen hair 2. Last evaluated: 2022-02-08. Review status: criteria provided, single submitter. Criteria: ACMG Guidelines, 2015. Collection method: clinical testing. Allele origin: de novo. Inheritance: Autosomal dominant inheritance. Affected: yes. Observed: 1 variant allele, 1 heterozygote. Not counted in ClinVar's aggregate classification.
Comment: The p.Glu183Ala variant in the PPP1CB gene occurred de novo in at least 2 individuals with features consistent with PPP1CB-related Noonan syndrome (Hong et al., 2020; Lin et al., 2018; Ma et al., 2016). This variant was absent from large population databases, including the Genome Aggregation Database. The PPP1CB gene has fewer missense variants in the general population than expected. A low rate of missense variation may suggest that this gene is intolerant to missense variation. Computational tools predict that this variant does not impact protein function; however, the accuracy of in silico algorithms is limited. These data were assessed using the ACMG/AMP variant interpretation guidelines. In summary, there is sufficient evidence to classify the p.Glu183Ala variant as pathogenic for PPP1CB-related Noonan syndrome in an autosomal dominant manner based on the information above. [ACMG evidence codes used: PS2_verystrong; PM2; PP2]

GeneDx
Classification: Pathogenic. Last evaluated: 2021-08-08. Review status: criteria provided, single submitter. Criteria: GeneDx Variant Classification Process June 2021. Collection method: clinical testing. Allele origin: germline. Affected: yes. Not counted in ClinVar's aggregate classification.
Comment: Not observed in large population cohorts (Lek et al., 2016); In silico analysis, which includes protein predictors and evolutionary conservation, supports a deleterious effect; This variant is associated with the following publications: (PMID: 27681385, 30236064)

Ambry Genetics
Classification: Pathogenic for Cardiovascular phenotype. Last evaluated: 2021-03-30. Review status: criteria provided, single submitter. Criteria: Ambry Variant Classification Scheme 2023. Collection method: clinical testing. Allele origin: germline. Not counted in ClinVar's aggregate classification.
Comment: The c.548A>C (p.E183A) alteration is located in exon 5 (coding exon 5) of the PPP1CB gene. This alteration results from an A to C substitution at nucleotide position 548, causing the glutamic acid (E) at amino acid position 183 to be replaced by an alanine (A). Based on data from the Genome Aggregation Database (gnomAD), the PPP1CB c.548A>C alteration was not observed, with coverage at this position. This alteration has been previously reported in multiple patients with various phenotypes suggestive of Noonan syndrome including global developmental delay, macrocephaly, seizures, congenital heart defects, and dysmorphic features (Ma, 2016; Lin, 2018; Hong 2020). In addition, another alteration affecting the same amino acid, p.E183V, was reported in a patient with a similar neurodevelopmental disorder (Ma, 2016). The p.E183 amino acid is conserved in available vertebrate species. This missense alteration is located in a region that has a low rate of benign missense variation (Lek, 2016; Firth, 2009). The p.E183A alteration is predicted to be tolerated by in silico analysis. Based on the available evidence, this alteration is classified as pathogenic.

OMIM
Classification: Pathogenic for NOONAN SYNDROME-LIKE DISORDER WITH LOOSE ANAGEN HAIR 2. Last evaluated: 2017-05-31. Review status: no assertion criteria provided. Collection method: literature only. Allele origin: germline. Not counted in ClinVar's aggregate classification.

Literature cited by the submitters: PubMed 30236064 (cited by 4 submitters); PubMed 27681385 (cited by 5 submitters); PubMed 33333793 (cited by Clinical Genomics Laboratory, Stanford Medicine and Ambry Genetics).